The following is an entry in ClinVar:

ClinVar aggregate classification (germline): Pathogenic (1 of 4 stars; one submission).

Conditions:
Ornithine aminotransferase deficiency (GACR). Also called: Ornithine ketoacid aminotransferase deficiency; Gyrate atrophy; HYPERORNITHINEMIA WITH GYRATE ATROPHY OF CHOROID AND RETINA; OAT DEFICIENCY; OKT DEFICIENCY; Gyrate atrophy of choroid and retina. Identifiers: Orphanet 414, MedGen C0018425, MONDO:0009796, OMIM 258870.

Submission:

Myriad Genetics, Inc.
Classification: Pathogenic for Ornithine aminotransferase deficiency. Last evaluated: 2026-03-08. Review status: criteria provided, single submitter. Criteria: Myriad Autosomal Dominant, Autosomal Recessive and X-Linked Classification Criteria (2023). Collection method: clinical testing. Allele origin: unknown.
Comment: NM_000274.3(OAT):c.698_699delAG(Q233Rfs*2) is expected to be pathogenic in the context of ornithine aminotransferase deficiency. This variant is predicted to lead to an abnormal or absent protein product due to the creation of a premature termination codon in OAT, a gene where loss-of-function variants are known to be pathogenic. Please note: this variant was assessed in the context of healthy population screening.

NM_000274.4(OAT):c.698_699del (p.Gln233fs)

Genes: OAT (ornithine aminotransferase; minus strand), LOC121815974 (Sharpr-MPRA regulatory region 15365; plus strand). Cytogenetic location: 10q26.13.
Variant type: Deletion.
Coding change: c.698_699del on transcript NM_000274.4 (MANE Select); coding-DNA positions 698 to 699, 2 bases deleted (AG; older notation c.698_699delAG).
Protein change: p.Gln233fs; shifts the reading frame from glutamine 233.
Molecular consequence: frameshift variant.
Genome position (GRCh38, 1-based): chr10:124,403,870-124,403,871, CT deleted on the plus strand (AG on the coding strand, the reverse complement: OAT is on the minus strand). VCF-style (leftmost placement, unchanged base first): chr10-124403869-CCT-C. GRCh37 (hg19) VCF-style: chr10-126092438-CCT-C.
Other names: c.284_285del, p.Gln95fs (NM_001171814.2); c.698_699del, p.Gln233fs (NM_001322965.2, NM_001322966.2, NM_001322967.2 and 3 more transcripts); c.377_378del, p.Gln126fs (NM_001322971.2); c.98_99del, p.Gln33fs (NM_001322974.2); short protein forms Q126fs, Q233fs, Q33fs, Q95fs.
Identifiers: ClinVar variation 5015657 (VCV005015657.1).